The following is an entry in ClinVar:

ClinVar aggregate classification (germline): Uncertain significance. Review status: criteria provided, multiple submitters, no conflicts (2 of 4 stars). 3 submissions from 3 submitters: Uncertain significance (3). Last evaluated 2025-11-13.

Conditions:
Inborn genetic diseases. Identifiers: MedGen C0950123, MeSH D030342.

Allele frequency attached by ClinVar (database versions not stated): gnomAD exomes 0.00005 and 0.00010; ExAC 0.00018; gnomAD 0.00003; TOPMed 0.00005.
gnomAD v4.1: 119 of 1,251,018 alleles (0.0095%); highest among the groups gnomAD compares: Non-Finnish European, 0.011%; no homozygotes.

Submissions (3):

Ambry Genetics
Classification: Uncertain significance for Inborn genetic diseases. Last evaluated: 2025-11-13. Review status: criteria provided, single submitter. Criteria: Ambry Variant Classification Scheme 2023. Collection method: clinical testing. Allele origin: germline.

Labcorp Genetics (formerly Invitae), Labcorp
Classification: Uncertain significance. Last evaluated: 2022-08-21. Review status: criteria provided, single submitter. Criteria: Invitae Variant Classification Sherloc (09022015). Collection method: clinical testing. Allele origin: germline.
Comment: This sequence change replaces arginine, which is basic and polar, with glutamine, which is neutral and polar, at codon 10 of the PAX1 protein (p.Arg10Gln). This variant is present in population databases (rs764757880, gnomAD 0.02%). This variant has not been reported in the literature in individuals affected with PAX1-related conditions. ClinVar contains an entry for this variant (Variation ID: 1406650). Algorithms developed to predict the effect of missense changes on protein structure and function are either unavailable or do not agree on the potential impact of this missense change (SIFT: "Deleterious"; PolyPhen-2: "Probably Damaging"; Align-GVGD: "Class C0"). Algorithms developed to predict the effect of sequence changes on RNA splicing suggest that this variant may create or strengthen a splice site. In summary, the available evidence is currently insufficient to determine the role of this variant in disease. Therefore, it has been classified as a Variant of Uncertain Significance.

Breakthrough Genomics
Classification: Uncertain significance. Review status: criteria provided, single submitter. Criteria: ACMG Guidelines, 2015. Collection method: not provided. Allele origin: germline. Inheritance: Autosomal dominant inheritance. Affected: yes.

NM_001257096.2(PAX1):c.29G>A (p.Arg10Gln)

Gene: PAX1 (paired box 1; plus strand). Cytogenetic location: 20p11.22.
Variant type: single nucleotide variant.
Coding change: c.29G>A on transcript NM_001257096.2 (MANE Select); coding-DNA position 29, G replaced by A.
Protein change: p.Arg10Gln; replaces arginine 10 with glutamine.
Molecular consequence: missense variant.
Genome position (GRCh38, 1-based): chr20:21,705,741, G>A. VCF-style: chr20-21705741-G-A. GRCh37 (hg19) VCF-style: chr20-21686379-G-A.
Other names: c.29G>A (NM_006192.3); c.29G>A, p.Arg10Gln (NM_006192.5); short protein forms R10Q.
Identifiers: ClinVar variation 1406650 (VCV001406650.5), dbSNP rs764757880, ClinGen allele CA9786380.
Genomic context (GRCh38, chr20:21,705,741, plus strand): 5'-GCCTCCCGGTCAGACGAATTTCTCCCAATCGGATGAAGTTCACCCTGGGCCTGGGGTCGC[G>A]GGCGTGGAGAGTGTCCTGGGAGGGGGCAGCAGCGGCGGCGGCAGGCCCTGGAGCGGGCGG-3'
Protein context (NP_001244025.1, residues 1-20): MKFTLGLGS[Arg10Gln]AWRVSWEGAA